The following is an entry in ClinVar:

ClinVar aggregate classification (germline): Uncertain significance (1 of 4 stars; one submission).

Conditions:
Progressive myoclonic epilepsy type 3. Also called: EPILEPSY, PROGRESSIVE MYOCLONIC, 3, WITHOUT INTRACELLULAR INCLUSIONS; EPILEPSY, PROGRESSIVE MYOCLONIC, 3, WITH OR WITHOUT INTRACELLULAR INCLUSIONS; CEROID LIPOFUSCINOSIS, NEURONAL, 14; KCTD7-Related Progressive Myoclonic Epilepsy. Identifiers: Orphanet 263516, MedGen C2673257, MONDO:0012721, OMIM 611726.

Submission:

Labcorp Genetics (formerly Invitae), Labcorp
Classification: Uncertain significance for Progressive myoclonic epilepsy type 3. Last evaluated: 2018-10-08. Review status: criteria provided, single submitter. Criteria: Invitae Variant Classification Sherloc (09022015). Collection method: clinical testing. Allele origin: germline.
Comment: This variant has not been reported in the literature in individuals with KCTD7-related disease. This sequence change falls in intron 1 of the KCTD7 gene. It does not directly change the encoded amino acid sequence of the KCTD7 protein, but it affects a nucleotide within the consensus splice site of the intron. The frequency data for this variant in the population databases is considered unreliable, as metrics indicate insufficient coverage at this position in the ExAC database. Nucleotide substitutions within the consensus splice site are a relatively common cause of aberrant splicing (PMID: 17576681, 9536098). Algorithms developed to predict the effect of sequence changes on RNA splicing suggest that this variant is not likely to affect RNA splicing, but this prediction has not been confirmed by published transcriptional studies. In summary, the available evidence is currently insufficient to determine the role of this variant in disease. Therefore, it has been classified as a Variant of Uncertain Significance.

Literature cited by the submitters: PubMed 17576681; PubMed 9536098.

NM_153033.5(KCTD7):c.144+4C>A

Genes: KCTD7 (potassium channel tetramerization domain containing 7; plus strand), LOC129998533 (ATAC-STARR-seq lymphoblastoid silent region 18210; plus strand). Cytogenetic location: 7q11.21.
Variant type: single nucleotide variant.
Coding change: c.144+4C>A on transcript NM_153033.5 (MANE Select); 4 bases into the intron after coding-DNA position 144, C replaced by A.
Molecular consequence: intron variant.
Genome position (GRCh38, 1-based): chr7:66,629,212, C>A. VCF-style: chr7-66629212-C-A. GRCh37 (hg19) VCF-style: chr7-66094199-C-A.
Other names: c.144+4C>A (NM_001167961.2).
Identifiers: ClinVar variation 656995 (VCV000656995.9), dbSNP rs757018925, ClinGen allele CA915944929.